The following is an entry in ClinVar:

ClinVar aggregate classification (germline): Conflicting classifications of pathogenicity. Review status: criteria provided, conflicting classifications (1 of 4 stars). 10 submissions from 10 submitters: Uncertain significance (5); Benign (1); Likely benign (3). 1 of the submissions does not count toward it. Last evaluated 2026-03-02.

Conditions:
TNFRSF13B-related disorder. Also called: TNFRSF13B-related condition.
Immunodeficiency, common variable, 2 (CVID2). Also called: ANTIBODY DEFICIENCY DUE TO TACI DEFECT; HYPOGAMMAGLOBULINEMIA DUE TO TACI DEFICIENCY. Identifiers: Orphanet 1572, MedGen C3150354, MONDO:0009413, OMIM 240500.

Allele frequency attached by ClinVar (database versions not stated): 1000 Genomes Project 0.00020; 1000 Genomes Project 30x 0.00031; gnomAD 0.00072 and 0.00076; ExAC 0.00077; gnomAD exomes 0.00080 and 0.00100; TOPMed 0.00085.

Submissions (10):

PreventionGenetics, part of Exact Sciences
Classification: Uncertain significance for TNFRSF13B-related condition. Last evaluated: 2026-03-02. Review status: criteria provided, single submitter. Criteria: ACMG Guidelines, 2015. Collection method: clinical testing. Allele origin: germline.
Comment: The TNFRSF13B c.605G>A variant is predicted to result in the amino acid substitution p.Arg202His. This variant has been identified in the heterozygous state in individuals with common variable immunodeficiency and IgA deficiency (Castigli et al. 2005. PubMed ID: 16007086; Salzer et al. 2005. PubMed ID: 16007087; Pan-Hammarström et al. 2007. PubMed ID: 17392797; Janzi et al. 2012. PubMed ID: 21850030). However, this variant was also identified in a control population and did not segregate with disease in families with IgA deficiency (Supplementary Table 1 and 3, Pan-Hammarström et al. 2007. PubMed ID: 17392797). Functional studies determined that the p.Arg202His variant had little or no inhibitory effect on function (He et al. 2010. PubMed ID: 20676093). This variant is reported in 0.31% of alleles in individuals of Ashkenazi Jewish descent in gnomAD, which may be too common to be causative. Although we suspect that this variant may be benign, its clinical significance is classified as uncertain due to the absence of conclusive functional and genetic evidence.

Labcorp Genetics (formerly Invitae), Labcorp
Classification: Benign for Immunodeficiency, common variable, 2. Last evaluated: 2026-02-02. Review status: criteria provided, single submitter. Criteria: Invitae Variant Classification Sherloc (09022015). Collection method: clinical testing. Allele origin: germline.

ARUP Laboratories, Molecular Genetics and Genomics, ARUP Laboratories
Classification: Uncertain significance. Last evaluated: 2025-06-18. Review status: criteria provided, single submitter. Criteria: ARUP Molecular Germline Variant Investigation Process 2024. Collection method: clinical testing. Allele origin: germline.
Comment: The TNFRSF13B c.605G>A; p.Arg202His variant (rs104894649) is reported in literature in six individuals affected with common variable immune deficiency (Janzi 2012, Pan-HammarstrÃ¶m 2007, Salzer 2005) and two individuals with IgAD (Pan-HammarstrÃ¶m 2007). This variant was more frequently observed in control individuals compared to CVID cohort, though an enrichment was observed in IgAD cohort compared to controls with an odds ratio of 5.91 (1.94~18.07, 95% CI) (Pan-HammarstrÃ¶m 2007). Data obtained from a single IgAD patient suggested that this variant does not alter IgA levels (Janzi 2012). Functional analyses of the variant protein by luciferase reporter assay showed no impact on downstream signaling pathway components (He 2010). This variant is also reported in ClinVar (Variation ID: 5304). This variant is found in the non-Finnish European population with an allele frequency of 0.12% (156/127656 alleles) in the Genome Aggregation Database. The arginine at codon 202 is weakly conserved, but computational analyses are uncertain whether this variant is neutral or deleterious (REVEL: 0.554). Due to conflicting information, the clinical significance of this variant is uncertain at this time.

Blueprint Genetics
Classification: Likely benign. Last evaluated: 2024-11-14. Review status: criteria provided, single submitter. Criteria: ACMG Guidelines, 2015. Collection method: clinical testing. Allele origin: germline.

Laboratory for Molecular Medicine, Mass General Brigham Personalized Medicine
Classification: Likely benign. Last evaluated: 2023-12-07. Review status: criteria provided, single submitter. Criteria: ACMG Guidelines, 2015. Collection method: clinical testing. Allele origin: germline.
Comment: The p.Arg202His variant in TNFRSF13B has been reported in multiple individuals with combined immunodeficiency or IgA deficiency, however it has also been found at similar frequencies in control populations and was not found to segregate with individuals in a family (Pan-Hammarstrom 2007 PMID: 17392797, Lopez-Mejias 2009 PMID: 19392801, Janzi 2012 PMID: 21850030, Speletas 2013 PMID: 23956760, van Schouwenburg 2015 PMID: 26122175). This variant has been identified in 0.14% (5/3468) of Ashkenazi Jewish and 0.1% (81/68030) of European chromosomes by gnomAD (v 3.1.2). This variant has also been reported in ClinVar (Variation ID 5304). Computational prediction tools and conservation analyses do not provide strong support for or against an impact to the protein. In vitro functional studies provide some evidence that this variant does not impact protein function (Bacchelli 2011 PMID: 21458042, He 2010 PMID: 20676093); however, these types of assays may not accurately represent biological function. In summary, while the clinical significance of this variant is uncertain, these data suggest that it is more likely to be benign/its frequency suggests that it is more likely to be benign. ACMG/AMP Criteria applied: BS3_Moderate, BS4_Supporting.

GeneDx
Classification: Uncertain significance. Last evaluated: 2023-06-11. Review status: criteria provided, single submitter. Criteria: GeneDx Variant Classification Process June 2021. Collection method: clinical testing. Allele origin: germline. Affected: yes.
Comment: Identified as a single heterozygous variant in patients with common variable immune deficiency (CVID) in the published literature; however also found at a similar frequency in controls, suggesting R202H may not contribute to risk of CVID (Salzer et al., 2005; Castigli et al., 2005; Pan-Hammarstrm et al., 2007; Freiberger et al., 2012); Published functional studies demonstrate no damaging effect, as R202H retained NF-kB activation and ligand binding (Bacchelli et al., 2011); In silico analysis, which includes protein predictors and evolutionary conservation, supports that this variant does not alter protein structure/function; This variant is associated with the following publications: (PMID: 16007087, 16007086, 23956760, 21850030, 22884984, 19392801, 34426522, 21458042, 17392797, 30090215, 30269248, 33206719, 35655776)

Women's Health and Genetics/Laboratory Corporation of America, LabCorp
Classification: Likely benign. Last evaluated: 2021-06-25. Review status: criteria provided, single submitter. Criteria: LabCorp Variant Classification Summary - May 2015. Collection method: clinical testing. Allele origin: germline.
Comment: Variant summary: TNFRSF13B c.605G>A (p.Arg202His) results in a non-conservative amino acid change in the encoded protein sequence. Three of five in-silico tools predict a benign effect of the variant on protein function. The variant allele was found at a frequency of 0.0008 in 249890 control chromosomes. The observed variant frequency is approximately 278.72 fold of the estimated maximal expected allele frequency for a pathogenic variant in TNFRSF13B causing Common Variable Immunodeficiency phenotype (2.9e-06), strongly suggesting that the variant is benign. c.605G>A has been reported in the literature in individuals affected with Common Variable Immunodeficiency and IgA deficiency, however without strong supporting evidence of pathogenicity and often also being found in controls (Castigli_2005, Salzar_2005, Castigli_2007, Lopez-Mejias_2009, Freiberger_2012, DeVries_2011, Karaca_2018, Pulvirenti_2016). The variant has been reported to not segregate with disease in 3 families, including the variant being found in unaffected family members and affected family members lacking the variant (Pan-Hammarstrom_2007, Speletas_2011). Experimental evidence showed the variant had little or no inhibitory effect on signaling via NF-kB and AP-1 and did not impair the interaction with MyD88, TRAF2, TRAF5, TRAF6 or CAML (He_2010). Four clinical diagnostic laboratories have submitted clinical-significance assessments for this variant to ClinVar after 2014 without evidence for independent evaluation. Two labs classified the variant as benign/likely benign while two classified the variant as VUS. Based on the evidence outlined above, the variant was classified as likely benign.

CeGaT Center for Human Genetics Tuebingen
Classification: Uncertain significance. Last evaluated: 2018-04-01. Review status: criteria provided, single submitter. Criteria: CeGaT Center For Human Genetics Tuebingen Variant Classification Criteria Version 2. Collection method: clinical testing. Allele origin: germline. Affected: yes. Observed: 1 variant allele.

Eurofins Ntd Llc (ga)
Classification: Uncertain significance. Last evaluated: 2017-11-30. Review status: criteria provided, single submitter. Criteria: EGL Classification Definitions 2015. Collection method: clinical testing. Allele origin: germline. Observed: 1 variant allele, 1 heterozygote.

OMIM
Classification: Pathogenic for IMMUNODEFICIENCY, COMMON VARIABLE, 2. Last evaluated: 2007-04-01. Review status: no assertion criteria provided. Collection method: literature only. Allele origin: germline. Not counted in ClinVar's aggregate classification.

Literature cited by the submitters: PubMed 19392801 (cited by Laboratory for Molecular Medicine, Mass General Brigham Personalized Medicine and Women's Health and Genetics/Laboratory Corporation of America, LabCorp); PubMed 23956760 (cited by Laboratory for Molecular Medicine, Mass General Brigham Personalized Medicine and Women's Health and Genetics/Laboratory Corporation of America, LabCorp); PubMed 26122175 (cited by Laboratory for Molecular Medicine, Mass General Brigham Personalized Medicine); PubMed 21458042 (cited by Laboratory for Molecular Medicine, Mass General Brigham Personalized Medicine); PubMed 16007086 (cited by Women's Health and Genetics/Laboratory Corporation of America, LabCorp); PubMed 16007087 (cited by Women's Health and Genetics/Laboratory Corporation of America, LabCorp and OMIM); PubMed 17392798 (cited by Women's Health and Genetics/Laboratory Corporation of America, LabCorp and OMIM); PubMed 17392797 (cited by Women's Health and Genetics/Laboratory Corporation of America, LabCorp); PubMed 20676093 (cited by Women's Health and Genetics/Laboratory Corporation of America, LabCorp); PubMed 21850030 (cited by Women's Health and Genetics/Laboratory Corporation of America, LabCorp); PubMed 21547394 (cited by Women's Health and Genetics/Laboratory Corporation of America, LabCorp); PubMed 22884984 (cited by Women's Health and Genetics/Laboratory Corporation of America, LabCorp); PubMed 21675890 (cited by Women's Health and Genetics/Laboratory Corporation of America, LabCorp); PubMed 27123465 (cited by Women's Health and Genetics/Laboratory Corporation of America, LabCorp); PubMed 30090215 (cited by Women's Health and Genetics/Laboratory Corporation of America, LabCorp).

NM_012452.3(TNFRSF13B):c.605G>A (p.Arg202His)

Gene: TNFRSF13B (TNF receptor superfamily member 13B; minus strand). Cytogenetic location: 17p11.2.
Variant type: single nucleotide variant.
Coding change: c.605G>A on transcript NM_012452.3 (MANE Select); coding-DNA position 605, G replaced by A.
Protein change: p.Arg202His; replaces arginine 202 with histidine.
Molecular consequence: missense variant.
Genome position (GRCh38, 1-based): chr17:16,940,352, C>T on the plus strand (G>A on the coding strand, the complement: TNFRSF13B is on the minus strand). VCF-style: chr17-16940352-C-T. GRCh37 (hg19) VCF-style: chr17-16843666-C-T.
Other names: short protein forms R202H.
Identifiers: ClinVar variation 5304 (VCV000005304.69), dbSNP rs104894649, ClinGen allele CA117392.